The following is an entry in ClinVar:

ClinVar aggregate classification (germline): Uncertain significance (1 of 4 stars; one submission).

Conditions:
Blau syndrome (BLAUS). Also called: ARTHROCUTANEOUVEAL GRANULOMATOSIS; GRANULOMATOSIS, FAMILIAL JUVENILE SYSTEMIC; GRANULOMATOSIS, FAMILIAL, BLAU TYPE; GRANULOMATOUS INFLAMMATORY ARTHRITIS, DERMATITIS, AND UVEITIS, FAMILIAL; JABS SYNDROME. Identifiers: Orphanet 90340, MedGen C5201146, MONDO:0008523, OMIM 186580.
Regional enteritis. Also called: Enteritis, Granulomatous. Identifiers: MedGen C0678202, MeSH D003424.

Allele frequency attached by ClinVar (database versions not stated): gnomAD 0.00001 and 0.00003; gnomAD exomes 0.00001 and 0.00002; ExAC 0.00003; 1000 Genomes Project 30x 0.00078; 1000 Genomes Project 0.00080.
gnomAD v4.1: 19 of 1,613,754 alleles (0.0012%); highest among the groups gnomAD compares: Admixed American, 0.025%; no homozygotes.

Submission:

Labcorp Genetics (formerly Invitae), Labcorp
Classification: Uncertain significance for Regional enteritis; Blau syndrome. Last evaluated: 2026-01-11. Review status: criteria provided, single submitter. Criteria: Invitae Variant Classification Sherloc (09022015). Collection method: clinical testing. Allele origin: germline.
Comment: This sequence change replaces histidine, which is basic and polar, with arginine, which is basic and polar, at codon 966 of the NOD2 protein (p.His966Arg). This variant is present in population databases (rs189453919, gnomAD 0.009%). This variant has not been reported in the literature in individuals affected with NOD2-related conditions. ClinVar contains an entry for this variant (Variation ID: 1064257). Invitae Evidence Modeling of protein sequence and biophysical properties (such as structural, functional, and spatial information, amino acid conservation, physicochemical variation, residue mobility, and thermodynamic stability) indicates that this missense variant is not expected to disrupt NOD2 protein function with a negative predictive value of 95%. In summary, the available evidence is currently insufficient to determine the role of this variant in disease. Therefore, it has been classified as a Variant of Uncertain Significance.

NM_001370466.1(NOD2):c.2816A>G (p.His939Arg)

Gene: NOD2 (nucleotide binding oligomerization domain containing 2; plus strand). Cytogenetic location: 16q12.1.
Variant type: single nucleotide variant.
Coding change: c.2816A>G on transcript NM_001370466.1 (MANE Select); coding-DNA position 2816, A replaced by G.
Protein change: p.His939Arg; replaces histidine 939 with arginine.
Molecular consequence: missense variant. On other transcripts: non-coding transcript variant (1).
Genome position (GRCh38, 1-based): chr16:50,725,503, A>G. VCF-style: chr16-50725503-A-G. GRCh37 (hg19) VCF-style: chr16-50759414-A-G.
Other names: c.2816A>G, p.His939Arg (NM_001293557.2); c.2897A>G, p.His966Arg (NM_022162.3); short protein forms H939R, H966R.
Identifiers: ClinVar variation 1064257 (VCV001064257.7), dbSNP rs189453919, ClinGen allele CA8052020.
Genomic context (GRCh38, chr16:50,725,503, plus strand): 5'-ATAATCAATGTTGTATCAACTGGATTTTCTCTCTTCTTCTCACCAGCCTGGAGGAGAACC[A>G]TCTCCAGGATGAAGGTGTATGTTCTCTCGCAGAAGGACTGAAGAAAAATTCAAGTTTGAA-3'
Protein context (NP_001357395.1, residues 929-949): MLEELCLEEN[His939Arg]LQDEGVCSLA